The following is an entry in ClinVar:

ClinVar aggregate classification (germline): Conflicting classifications of pathogenicity. Review status: criteria provided, conflicting classifications (1 of 4 stars). 2 submissions from 2 submitters: Uncertain significance (1); Likely benign (1). Last evaluated 2024-12-28.

Conditions:
Diffuse cerebral and cerebellar atrophy - intractable seizures - progressive microcephaly syndrome. Also called: Microcephaly, progressive, with seizures and cerebral and cerebellar atrophy. Identifiers: Orphanet 404437, MedGen C4014239, MONDO:0014335, OMIM 615760.

Allele frequency attached by ClinVar (database versions not stated): gnomAD exomes 0.00005; TOPMed 0.00009.
gnomAD v4.1: 54 of 1,614,106 alleles (0.0033%); highest among the groups gnomAD compares: Admixed American, 0.043%; no homozygotes.

Submissions (2):

Labcorp Genetics (formerly Invitae), Labcorp
Classification: Likely benign for Diffuse cerebral and cerebellar atrophy - intractable seizures - progressive microcephaly syndrome. Last evaluated: 2024-12-28. Review status: criteria provided, single submitter. Criteria: Invitae Variant Classification Sherloc (09022015). Collection method: clinical testing. Allele origin: germline.

GeneDx
Classification: Uncertain significance. Last evaluated: 2017-04-05. Review status: criteria provided, single submitter. Criteria: GeneDx Variant Classification (06012015). Collection method: clinical testing. Allele origin: germline. Affected: yes.
Comment: The c.1158 C>T variant has not been published as a pathogenic variant, nor has it been reported as a benign variant to our knowledge. The c.1158 C>T variant is not observed in large population cohorts (Lek et al., 2016; 1000 Genomes Consortium et al., 2015; Exome Variant Server). This substitution occurs at a position that is not conserved. Several in-silico splice prediction models predict that c.1158 C>T damaged the splice donor site for intron 6 which may lead to abnormal gene splicing. However, in the absence of RNA/functional studies, the actual effect of this sequence change in this individual is unknown. In summary, based on the currently available information, it is unclear whether this variant is a pathogenic variant or a rare benign variant.

NM_005051.3(QARS1):c.1158C>T (p.Leu386=)

Gene: QARS1 (glutaminyl-tRNA synthetase 1; minus strand). Cytogenetic location: 3p21.31.
Variant type: single nucleotide variant.
Coding change: c.1158C>T on transcript NM_005051.3 (MANE Select); coding-DNA position 1158, C replaced by T.
Protein change: p.Leu386=; no amino-acid change (leucine 386 retained).
Molecular consequence: synonymous variant. On other transcripts: non-coding transcript variant (1).
Genome position (GRCh38, 1-based): chr3:49,100,196, G>A on the plus strand (C>T on the coding strand, the complement: QARS1 is on the minus strand). VCF-style: chr3-49100196-G-A. GRCh37 (hg19) VCF-style: chr3-49137629-G-A.
Other names: c.1125C>T, p.Leu375= (NM_001272073.2).
Identifiers: ClinVar variation 426744 (VCV000426744.9), dbSNP rs1085307775, ClinGen allele CA433630958.
Genomic context (GRCh38, chr3:49,100,196, plus strand): 5'-CTCATTCTCAGCACCTTGGCCCACCCAAACCCAGATGCTCCTCTAGGACCCCACCTCAAA[G>A]AGCAGCAGTGACTCCTCCATGGGACGGTCTCTCCAGGGTGAAGGCAGAGTATTATGGCCT-3'
Protein context (NP_005042.1, residues 376-396): RDRPMEESLL[Leu386=]FEAMRKGKFS